The following is an entry in ClinVar:

NM_001303.4(COX10):c.683G>A (p.Arg228His)

Gene: COX10 (cytochrome c oxidase assembly factor heme A:farnesyltransferase COX10; plus strand). Cytogenetic location: 17p12.
Variant type: single nucleotide variant.
Coding change: c.683G>A on transcript NM_001303.4 (MANE Select); coding-DNA position 683, G replaced by A.
Protein change: p.Arg228His; replaces arginine 228 with histidine.
Molecular consequence: missense variant.
Genome position (GRCh38, 1-based): chr17:14,159,935, G>A. VCF-style: chr17-14159935-G-A. GRCh37 (hg19) VCF-style: chr17-14063252-G-A.
Other names: short protein forms R228H.
Identifiers: ClinVar variation 2137927 (VCV002137927.3), dbSNP rs1384631812, ClinGen allele CA398250423.

ClinVar aggregate classification (germline): Uncertain significance (1 of 4 stars; one submission).

Allele frequency attached by ClinVar (database versions not stated): gnomAD 0.00001.
gnomAD v4.1: 18 of 1,612,044 alleles (0.0011%); highest among the groups gnomAD compares: East Asian, 0.011%; no homozygotes.

Submission:

Labcorp Genetics (formerly Invitae), Labcorp
Classification: Uncertain significance. Last evaluated: 2024-09-30. Review status: criteria provided, single submitter. Criteria: Invitae Variant Classification Sherloc (09022015). Collection method: clinical testing. Allele origin: germline.
Comment: This sequence change replaces arginine, which is basic and polar, with histidine, which is basic and polar, at codon 228 of the COX10 protein (p.Arg228His). The frequency data for this variant in the population databases is considered unreliable, as metrics indicate poor data quality at this position in the gnomAD database. This missense change has been observed in individual(s) with mitochondrial complex IV deficiency (PMID: 26741492). ClinVar contains an entry for this variant (Variation ID: 2137927). Invitae Evidence Modeling of protein sequence and biophysical properties (such as structural, functional, and spatial information, amino acid conservation, physicochemical variation, residue mobility, and thermodynamic stability) indicates that this missense variant is expected to disrupt COX10 protein function with a positive predictive value of 80%. In summary, the available evidence is currently insufficient to determine the role of this variant in disease. Therefore, it has been classified as a Variant of Uncertain Significance.

Literature cited by the submitters: PubMed 26741492.